The following is an entry in ClinVar:

NM_001370259.2(MEN1):c.778C>T (p.Gln260Ter)

Gene: MEN1 (menin 1; minus strand). Cytogenetic location: 11q13.1.
Variant type: single nucleotide variant.
Coding change: c.778C>T on transcript NM_001370259.2 (MANE Select); coding-DNA position 778, C replaced by T.
Protein change: p.Gln260Ter; replaces glutamine 260 with a stop codon.
Molecular consequence: nonsense.
Genome position (GRCh38, 1-based): chr11:64,807,557, G>A on the plus strand (C>T on the coding strand, the complement: MEN1 is on the minus strand). VCF-style: chr11-64807557-G-A. GRCh37 (hg19) VCF-style: chr11-64575029-G-A.
Other names: c.793C>T (NM_000244.3); c.793C>T, p.Gln265Ter (NM_000244.4, NM_130800.3, NM_130801.3 and 3 more transcripts); c.778C>T, p.Gln260Ter (NM_001370251.2, NM_001370260.2, NM_001370261.2 and 1 more transcripts); c.673C>T, p.Gln225Ter (NM_001370262.2, NM_001370263.2); short protein forms Q260*, Q265*, Q225*.
Identifiers: ClinVar variation 16690 (VCV000016690.15), dbSNP rs104894266, ClinGen allele CA009615.
Genomic context (GRCh38, chr11:64,807,557, plus strand): 5'-CACAGCAAGTCAAGTCTGGCCTAGCCCAGTCCTGCCCCATTGGCTCAGCCCTCACCTGCT[G>A]CAGCTGCAGAAGCTCCAGCGAGTCGGTGTGCAGGTCAATGGAAGGGTTGATGGCACACAC-3'

ClinVar aggregate classification (germline): Pathogenic. Review status: criteria provided, multiple submitters, no conflicts (2 of 4 stars). 6 submissions from 6 submitters: Pathogenic (4). 2 of the submissions do not count toward it. Last evaluated 2025-09-21.

Conditions:
MEN1-related disorder. Also called: MEN1-related condition.
Multiple endocrine neoplasia, type 1 (MEN1). Also called: MEA I; Endocrine adenomatosis multiple; MEN 1; MEN I; WERMER SYNDROME. Identifiers: Orphanet 652, MedGen C0025267, MeSH D018761, MONDO:0007540, OMIM 131100.
Hereditary cancer-predisposing syndrome. Also called: Hereditary neoplastic syndrome; Tumor predisposition; Neoplastic Syndromes, Hereditary; Hereditary Cancer Syndrome. Identifiers: Orphanet 140162, MedGen C0027672, MeSH D009386, MONDO:0015356.

Submissions (6):

Labcorp Genetics (formerly Invitae), Labcorp
Classification: Pathogenic for Multiple endocrine neoplasia, type 1. Last evaluated: 2025-09-21. Review status: criteria provided, single submitter. Criteria: Invitae Variant Classification Sherloc (09022015). Collection method: clinical testing. Allele origin: germline.
Comment: This sequence change creates a premature translational stop signal (p.Gln260*) in the MEN1 gene. It is expected to result in an absent or disrupted protein product. Loss-of-function variants in MEN1 are known to be pathogenic (PMID: 12112656, 17853334). This variant is not present in population databases (gnomAD no frequency). This premature translational stop signal has been observed in individual(s) with clinical features of multiple endocrine neoplasia type 1 (PMID: 9215689). ClinVar contains an entry for this variant (Variation ID: 16690). For these reasons, this variant has been classified as Pathogenic.

Ambry Genetics
Classification: Pathogenic for Hereditary cancer-predisposing syndrome. Last evaluated: 2024-08-21. Review status: criteria provided, single submitter. Criteria: Ambry Variant Classification Scheme 2023. Collection method: clinical testing. Allele origin: germline.
Comment: The p.Q260* pathogenic mutation (also known as c.778C>T), located in coding exon 3 of the MEN1 gene, results from a C to T substitution at nucleotide position 778. This changes the amino acid from a glutamine to a stop codon within coding exon 3. This variant is considered to be rare based on population cohorts in the Genome Aggregation Database (gnomAD). This mutation was reported in multiple individuals with features consistent with multiple endocrine neoplasia type 1 (MEN1) (Agarwal SK et al. Hum Mol Genet, 1997 Jul;6:1169-75; Shimizu S et al. Jpn J Cancer Res, 1997 Nov;88:1029-32; Pack S et al. J Invest Dermatol, 1998 Apr;110:438-40). In addition to the clinical data presented in the literature, this alteration is expected to result in loss of function by premature protein truncation or nonsense-mediated mRNA decay. As such, this alteration is interpreted as a disease-causing mutation.

Athena Diagnostics
Classification: Pathogenic. Last evaluated: 2023-11-21. Review status: criteria provided, single submitter. Criteria: Athena Diagnostics Criteria. Collection method: clinical testing. Allele origin: unknown.
Comment: This variant is expected to result in the loss of a functional protein. This variant has been identified in at least one individual with clinical features associated with this gene. This variant has not been reported in large, multi-ethnic general populations.

Blueprint Genetics
Classification: Pathogenic for MEN1-related disorders. Last evaluated: 2019-10-24. Review status: criteria provided, single submitter. Criteria: ACMG Guidelines, 2015. Collection method: clinical testing. Allele origin: germline. Affected: yes. Observed: 1 variant allele.

PreventionGenetics, part of Exact Sciences
Classification: Pathogenic for MEN1-related condition. Last evaluated: 2024-06-10. Review status: no assertion criteria provided. Collection method: clinical testing. Allele origin: germline. Not counted in ClinVar's aggregate classification.
Comment: The MEN1 c.793C>T variant is predicted to result in premature protein termination (p.Gln265*). This variant has been reported in individuals with multiple endocrine neoplasia type 1 (see for example: Figure 1. Agarwal et al. 1997. PubMed ID: 9215689). This variant has not been reported in a large population database, indicating this variant is rare. This variant is interpreted as pathogenic in ClinVar. Nonsense variants in MEN1 are expected to be pathogenic. This variant is interpreted as pathogenic.

OMIM
Classification: Pathogenic for MULTIPLE ENDOCRINE NEOPLASIA, TYPE I. Last evaluated: 1997-07-01. Review status: no assertion criteria provided. Collection method: literature only. Allele origin: germline. Not counted in ClinVar's aggregate classification.

Literature cited by the submitters: PubMed 12112656 (cited by Labcorp Genetics (formerly Invitae), Labcorp); PubMed 17853334 (cited by Labcorp Genetics (formerly Invitae), Labcorp); PubMed 9215689 (cited by 4 submitters); PubMed 9439676 (cited by Ambry Genetics and Athena Diagnostics); PubMed 9540988 (cited by Ambry Genetics and Athena Diagnostics); PubMed 9671267 (cited by Athena Diagnostics); PubMed 36428828 (cited by Athena Diagnostics); PubMed 12089860 (cited by Athena Diagnostics); PubMed 9681842 (cited by Athena Diagnostics).